The following is an entry in ClinVar:

ClinVar aggregate classification (germline): Uncertain significance (1 of 4 stars; one submission).

Conditions:
Adams-Oliver syndrome 5 (AOS5). Identifiers: Orphanet 974, MedGen C4014970, MONDO:0014459, OMIM 616028.

Submission:

Labcorp Genetics (formerly Invitae), Labcorp
Classification: Uncertain significance for Adams-Oliver syndrome 5. Last evaluated: 2026-01-14. Review status: criteria provided, single submitter. Criteria: Invitae Variant Classification Sherloc (09022015). Collection method: clinical testing. Allele origin: germline.
Comment: This sequence change replaces phenylalanine, which is neutral and non-polar, with tyrosine, which is neutral and polar, at codon 1590 of the NOTCH1 protein (p.Phe1590Tyr). This variant is not present in population databases (gnomAD no frequency). This variant has not been reported in the literature in individuals affected with NOTCH1-related conditions. Invitae Evidence Modeling of protein sequence and biophysical properties (such as structural, functional, and spatial information, amino acid conservation, physicochemical variation, residue mobility, and thermodynamic stability) indicates that this missense variant is not expected to disrupt NOTCH1 protein function with a negative predictive value of 80%. In summary, the available evidence is currently insufficient to determine the role of this variant in disease. Therefore, it has been classified as a Variant of Uncertain Significance.

NM_017617.5(NOTCH1):c.4769T>A (p.Phe1590Tyr)

Gene: NOTCH1 (notch receptor 1; minus strand). Cytogenetic location: 9q34.3.
Variant type: single nucleotide variant.
Coding change: c.4769T>A on transcript NM_017617.5 (MANE Select); coding-DNA position 4769, T replaced by A.
Protein change: p.Phe1590Tyr; replaces phenylalanine 1590 with tyrosine.
Molecular consequence: missense variant.
Genome position (GRCh38, 1-based): chr9:136,504,922, A>T on the plus strand (T>A on the coding strand, the complement: NOTCH1 is on the minus strand). VCF-style: chr9-136504922-A-T. GRCh37 (hg19) VCF-style: chr9-139399374-A-T.
Other names: short protein forms F1590Y.
Identifiers: ClinVar variation 4803288 (VCV004803288.1).